The following is an entry in ClinVar:

NM_001378964.1(CDON):c.3631+11C>T

Gene: CDON (cell adhesion associated, oncogene regulated; minus strand). Cytogenetic location: 11q24.2.
Variant type: single nucleotide variant.
Coding change: c.3631+11C>T on transcript NM_001378964.1 (MANE Select); 11 bases into the intron after coding-DNA position 3631, C replaced by T.
Molecular consequence: intron variant. On other transcripts: synonymous variant (3).
Genome position (GRCh38, 1-based): chr11:125,961,713, G>A on the plus strand (C>T on the coding strand, the complement: CDON is on the minus strand). VCF-style: chr11-125961713-G-A. GRCh37 (hg19) VCF-style: chr11-125831608-G-A.
Other names: c.3642C>T, p.Gly1214= (NM_001243597.3, NM_001441161.1, NM_001441162.1); c.3631+11C>T (NM_001441166.1, NM_016952.6, NM_001441164.1 and 2 more transcripts).
Identifiers: ClinVar variation 2663216 (VCV002663216.1), dbSNP rs2496875242, ClinGen allele CA477699461.
Genomic context (GRCh38, chr11:125,961,713, plus strand): 5'-ACCTTCCCATACACAGCTCTTAGCTAACTGAAGATGATCTGGAATCCTAAGGTTGATCAT[G>A]CCTTCCTGACCTCTGCTGAACTCTGCTGGATCTTCTGAGCCATCAGAGCTGACGTCATTT-3'

ClinVar aggregate classification (germline): Uncertain significance (1 of 4 stars; one submission).

Allele frequency attached by ClinVar (database versions not stated): gnomAD exomes below 0.00001.
gnomAD v4.1: 1 of 1,614,140 alleles (0.000062%); highest among the groups gnomAD compares: Non-Finnish European, 0.000085%; no homozygotes.

Submission:

GeneDx
Classification: Uncertain significance. Last evaluated: 2023-04-13. Review status: criteria provided, single submitter. Criteria: GeneDx Variant Classification Process June 2021. Collection method: clinical testing. Allele origin: germline. Affected: yes.
Comment: Not observed at significant frequency in large population cohorts (gnomAD); In silico analysis supports a deleterious effect on splicing; Has not been previously published as pathogenic or benign to our knowledge